The following is an entry in ClinVar:

ClinVar aggregate classification (germline): Conflicting classifications of pathogenicity. Review status: criteria provided, conflicting classifications (1 of 4 stars). 2 submissions from 2 submitters: Uncertain significance (1); Likely benign (1). Last evaluated 2026-09-06.

Conditions:
Congenital contractural arachnodactyly (CCA). Also called: BEALS SYNDROME; Beals-Hecht syndrome; Arthrogryposis, distal, type 9. Identifiers: Orphanet 115, MedGen C0220668, MONDO:0007363, OMIM 121050.
Familial thoracic aortic aneurysm and aortic dissection (TAAD). Also called: Thoracic aortic aneurysms and dissections. Identifiers: Orphanet 91387, MedGen C4707243, MONDO:0019625.

Allele frequency attached by ClinVar (database versions not stated): gnomAD 0.00001; TOPMed 0.00001.
gnomAD v4.1: 13 of 1,613,994 alleles (0.00081%); highest among the groups gnomAD compares: East Asian, 0.0022%; no homozygotes.

Submissions (2):

Ambry Genetics
Classification: Uncertain significance for Familial thoracic aortic aneurysm and aortic dissection. Last evaluated: 2026-09-06. Review status: criteria provided, single submitter. Criteria: Ambry Variant Classification Scheme 2023. Collection method: clinical testing. Allele origin: germline.
Comment: The p.E1475K variant (also known as c.4423G>A), located in coding exon 34 of the FBN2 gene, results from a G to A substitution at nucleotide position 4423. The glutamic acid at codon 1475 is replaced by lysine, an amino acid with similar properties. This amino acid position is conserved. In addition, this alteration is predicted to be deleterious by in silico analysis. Based on the available evidence, the clinical significance of this variant remains unclear.

Labcorp Genetics (formerly Invitae), Labcorp
Classification: Likely benign for Congenital contractural arachnodactyly. Last evaluated: 2025-01-29. Review status: criteria provided, single submitter. Criteria: Invitae Variant Classification Sherloc (09022015). Collection method: clinical testing. Allele origin: germline.

NM_001999.4(FBN2):c.4423G>A (p.Glu1475Lys)

Gene: FBN2 (fibrillin 2; minus strand). Cytogenetic location: 5q23.3.
Variant type: single nucleotide variant.
Coding change: c.4423G>A on transcript NM_001999.4 (MANE Select); coding-DNA position 4423, G replaced by A.
Protein change: p.Glu1475Lys; replaces glutamic acid 1475 with lysine.
Molecular consequence: missense variant.
Genome position (GRCh38, 1-based): chr5:128,328,744, C>T on the plus strand (G>A on the coding strand, the complement: FBN2 is on the minus strand). VCF-style: chr5-128328744-C-T. GRCh37 (hg19) VCF-style: chr5-127664436-C-T.
Other names: c.4423G>A (NM_001999.3); short protein forms E1475K.
Identifiers: ClinVar variation 2038754 (VCV002038754.5), dbSNP rs756919574, ClinGen allele CA3394966.
Genomic context (GRCh38, chr5:128,328,744, plus strand): 5'-CTGGTGACCCACCTTGGCAGGATCTGCTGTCTGAGGCTGGAGTGAAGCCCATCTCACACT[C>T]GCAGCGATATGCACCCGGGACATTAAGGCACTGTCCGTTCTCACAGAGGTTTATGTTTTC-3'
Protein context (NP_001990.2, residues 1465-1485): CLNVPGAYRC[Glu1475Lys]CEMGFTPASD